The following is an entry in ClinVar:

ClinVar aggregate classification (germline): Likely pathogenic (1 of 4 stars; one submission).

Conditions:
Intellectual developmental disorder, X-linked, syndromic, Turner type. Also called: X-linked intellectual disability, Turner type; Intellectual disability, X-linked syndromic, Turner type. Identifiers: Orphanet 3056, Orphanet 85328, MedGen C2678046, MONDO:0010407, OMIM 309590.

Submission:

Victorian Clinical Genetics Services, Murdoch Childrens Research Institute
Classification: Likely pathogenic for Intellectual developmental disorder, X-linked, syndromic, Turner type. Last evaluated: 2020-05-21. Review status: criteria provided, single submitter. Criteria: ACMG Guidelines, 2015. Collection method: clinical testing. Allele origin: germline. Inheritance: X-linked dominant inheritance. Affected: yes.
Comment: Based on the classification scheme VCGS_Germline_v0.6.1, this variant is classified as Likely pathogenic. Following criteria are met: 0103 - Both loss and gain of function are known mechanism of disease for this gene. 0110 - This gene is known to be associated with X-linked dominant disease. 0200 - Variant is predicted to result in a missense amino acid change from a glutamic acid to a glycine (exon 47). 0301 - Variant is absent from gnomAD. 0502 - Missense variant with conflicting in silico predictions and uninformative conservation. 0505 - Abnormal splicing is predicted by in silico tools and nucleotide is highly conserved. 0604 - Variant is not located in an established domain, motif or hotspot. 0705 - No comparable variants in relevant codon/region have previous evidence for pathogenicity. 0807 - Variant has not previously been reported in a clinical context. 0905 - No published segregation evidence has been identified for this variant. 1007 - No published functional evidence has been identified for this variant. Legend: (P) - Pathogenic, (N) - Neutral, (B) - Benign

NM_031407.7(HUWE1):c.6311A>G (p.Glu2104Gly)

Gene: HUWE1 (HECT, UBA and WWE domain containing E3 ubiquitin protein ligase 1; minus strand). Cytogenetic location: Xp11.22.
Variant type: single nucleotide variant.
Coding change: c.6311A>G on transcript NM_031407.7 (MANE Select); coding-DNA position 6311, A replaced by G.
Protein change: p.Glu2104Gly; replaces glutamic acid 2104 with glycine.
Molecular consequence: missense variant.
Genome position (GRCh38, 1-based): chrX:53,573,751, T>C on the plus strand (A>G on the coding strand, the complement: HUWE1 is on the minus strand). VCF-style: chrX-53573751-T-C. GRCh37 (hg19) VCF-style: chrX-53600711-T-C.
Other names: short protein forms E2104G.
Identifiers: ClinVar variation 1805743 (VCV001805743.1), dbSNP rs2494286656, ClinGen allele CA413167518.